The following is an entry in ClinVar:

NM_000535.7(PMS2):c.460G>A (p.Gly154Arg)

Gene: PMS2 (PMS1 homolog 2, mismatch repair system component; minus strand). Cytogenetic location: 7p22.1.
Variant type: single nucleotide variant.
Coding change: c.460G>A on transcript NM_000535.7 (MANE Select); coding-DNA position 460, G replaced by A.
Protein change: p.Gly154Arg; replaces glycine 154 with arginine.
Molecular consequence: missense variant. On other transcripts: 5 prime UTR variant (2), non-coding transcript variant (1).
Genome position (GRCh38, 1-based): chr7:6,002,530, C>T on the plus strand (G>A on the coding strand, the complement: PMS2 is on the minus strand). VCF-style: chr7-6002530-C-T. GRCh37 (hg19) VCF-style: chr7-6042161-C-T.
Other names: c.55G>A, p.Gly19Arg (NM_001322003.2, NM_001322004.2, NM_001322005.2 and 3 more transcripts); c.460G>A, p.Gly154Arg (NM_001322006.2, NM_001322014.2); c.142G>A, p.Gly48Arg (NM_001322007.2, NM_001322008.2); c.-425G>A (NM_001322011.2, NM_001322012.2); c.151G>A, p.Gly51Arg (NM_001322015.2); short protein forms G48R, G154R, G19R, G51R.
Identifiers: ClinVar variation 825041 (VCV000825041.5), dbSNP rs1583403079, ClinGen allele CA366744309.

ClinVar aggregate classification (germline): Uncertain significance (1 of 4 stars; one submission).

Conditions:
Hereditary cancer-predisposing syndrome. Also called: Tumor predisposition; Hereditary neoplastic syndrome; Neoplastic Syndromes, Hereditary; Hereditary Cancer Syndrome. Identifiers: Orphanet 140162, MedGen C0027672, MeSH D009386, MONDO:0015356.

Submission:

Ambry Genetics
Classification: Uncertain significance for Hereditary cancer-predisposing syndrome. Last evaluated: 2026-08-19. Review status: criteria provided, single submitter. Criteria: Ambry Variant Classification Scheme 2023. Collection method: clinical testing. Allele origin: germline.
Comment: The p.G154R variant (also known as c.460G>A), located in coding exon 5 of the PMS2 gene, results from a G to A substitution at nucleotide position 460. The glycine at codon 154 is replaced by arginine, an amino acid with dissimilar properties. This amino acid position is highly conserved in available vertebrate species. In addition, this alteration is predicted to be deleterious by in silico analysis. Based on the available evidence, the clinical significance of this variant remains unclear.